The following is an entry in ClinVar:

ClinVar aggregate classification (germline): Uncertain significance. Review status: criteria provided, single submitter (1 of 4 stars). 2 submissions from 2 submitters: Uncertain significance (1). 1 of the submissions does not count toward it. Last evaluated 2025-10-27.

Conditions:
Charcot-Marie-Tooth disease axonal type 2O. Also called: Charcot-Marie-Tooth disease, axonal, type 20; CHARCOT-MARIE-TOOTH NEUROPATHY, AXONAL, TYPE 2O; CHARCOT-MARIE-TOOTH DISEASE, AXONAL, AUTOSOMAL DOMINANT, TYPE 2O; Charcot-Marie-Tooth Neuropathy Type 2O. Identifiers: Orphanet 284232, MedGen C3280220, MONDO:0013644, OMIM 614228.

gnomAD v4.1: 5 of 1,614,020 alleles (0.00031%); highest among the groups gnomAD compares: South Asian, 0.0011%; no homozygotes.

Submissions (2):

Labcorp Genetics (formerly Invitae), Labcorp
Classification: Uncertain significance for Charcot-Marie-Tooth disease axonal type 2O. Last evaluated: 2025-10-27. Review status: criteria provided, single submitter. Criteria: Invitae Variant Classification Sherloc (09022015). Collection method: clinical testing. Allele origin: germline.
Comment: This sequence change replaces arginine, which is basic and polar, with cysteine, which is neutral and slightly polar, at codon 1488 of the DYNC1H1 protein (p.Arg1488Cys). This variant is not present in population databases (gnomAD no frequency). This missense change has been observed in individual(s) with clinical features of Charcot-Marie-Tooth disease (PMID: 39825153). ClinVar contains an entry for this variant (Variation ID: 3256727). Invitae Evidence Modeling of protein sequence and biophysical properties (such as structural, functional, and spatial information, amino acid conservation, physicochemical variation, residue mobility, and thermodynamic stability) indicates that this missense variant is expected to disrupt DYNC1H1 protein function with a positive predictive value of 95%. In summary, the available evidence is currently insufficient to determine the role of this variant in disease. Therefore, it has been classified as a Variant of Uncertain Significance.

Solve-RD Consortium
Classification: Likely pathogenic for Charcot-Marie-Tooth disease axonal type 2O. Last evaluated: 2022-06-01. Review status: no assertion criteria provided. Collection method: provider interpretation. Allele origin: inherited. Affected: yes. Not counted in ClinVar's aggregate classification.
Comment: Variant confirmed as disease-causing by referring clinical team

Variant identified during reanalysis of unsolved cases by the Solve-RD project. The Solve-RD project has received funding from the European Union’s Horizon 2020 research and innovation programme under grant agreement No 779257.

Literature cited by the submitters: PubMed 39825153 (cited by Labcorp Genetics (formerly Invitae), Labcorp and Solve-RD Consortium).

NM_001376.5(DYNC1H1):c.4462C>T (p.Arg1488Cys)

Gene: DYNC1H1 (dynein cytoplasmic 1 heavy chain 1; plus strand). Cytogenetic location: 14q32.31.
Variant type: single nucleotide variant.
Coding change: c.4462C>T on transcript NM_001376.5 (MANE Select); coding-DNA position 4462, C replaced by T.
Protein change: p.Arg1488Cys; replaces arginine 1488 with cysteine.
Molecular consequence: missense variant.
Genome position (GRCh38, 1-based): chr14:102,001,601, C>T. VCF-style: chr14-102001601-C-T. GRCh37 (hg19) VCF-style: chr14-102467938-C-T.
Other names: short protein forms R1488C.
Identifiers: ClinVar variation 3256727 (VCV003256727.2).